The following is an entry in ClinVar:

NM_007153.3(ZNF208):c.1728T>C (p.Thr576=)

Gene: ZNF208 (zinc finger protein 208; minus strand). Cytogenetic location: 19p12.
Variant type: single nucleotide variant.
Coding change: c.1728T>C on transcript NM_007153.3 (MANE Select); coding-DNA position 1728, T replaced by C.
Protein change: p.Thr576=; no amino-acid change (threonine 576 retained).
Molecular consequence: synonymous variant. On other transcripts: intron variant (4).
Genome position (GRCh38, 1-based): chr19:21,973,306, A>G on the plus strand (T>C on the coding strand, the complement: ZNF208 is on the minus strand). VCF-style: chr19-21973306-A-G. GRCh37 (hg19) VCF-style: chr19-22156108-A-G.
Other names: c.226+13910T>C (NM_001329974.2); c.305+1423T>C (NM_001329971.2, NM_001329973.1); c.227-12522T>C (NM_001329972.1).
Identifiers: ClinVar variation 3898349 (VCV003898349.7).

ClinVar aggregate classification (germline): Likely benign (1 of 4 stars; one submission).

Submission:

CeGaT Center for Human Genetics Tuebingen
Classification: Likely benign. Last evaluated: 2025-04-01. Review status: criteria provided, single submitter. Criteria: CeGaT Center For Human Genetics Tuebingen Variant Classification Criteria Version 2. Collection method: clinical testing. Allele origin: germline. Affected: yes. Observed: 1 variant allele.
Comment: ZNF208: BP4, BP7